The following is an entry in ClinVar:

NM_001378615.1(CC2D2A):c.4066C>T (p.Gln1356Ter)

Genes: CC2D2A (coiled-coil and C2 domain containing 2A; plus strand), FBXL5 (F-box and leucine rich repeat protein 5; minus strand). Cytogenetic location: 4p15.32.
Variant type: single nucleotide variant.
Coding change: c.4066C>T on transcript NM_001378615.1 (MANE Select); coding-DNA position 4066, C replaced by T.
Protein change: p.Gln1356Ter; replaces glutamine 1356 with a stop codon.
Molecular consequence: nonsense.
Genome position (GRCh38, 1-based): chr4:15,587,816, C>T. VCF-style: chr4-15587816-C-T. GRCh37 (hg19) VCF-style: chr4-15589439-C-T.
Other names: c.4066C>T, p.Gln1356Ter (NM_001080522.2); c.3919C>T, p.Gln1307Ter (NM_001378617.1); short protein forms Q1307*, Q1356*.
Identifiers: ClinVar variation 5014366 (VCV005014366.1).

ClinVar aggregate classification (germline): Pathogenic (1 of 4 stars; one submission).

Conditions:
Joubert syndrome and related disorders. Identifiers: Orphanet 140874, MedGen C5679612, MONDO:0015369.

Submission:

Myriad Genetics, Inc.
Classification: Pathogenic for Joubert syndrome and related disorders. Last evaluated: 2025-04-30. Review status: criteria provided, single submitter. Criteria: Myriad Autosomal Dominant, Autosomal Recessive and X-Linked Classification Criteria (2023). Collection method: clinical testing. Allele origin: unknown.
Comment: NM_001080522.2(CC2D2A):c.4066C>T(Q1356*) is expected to be pathogenic in the context of CC2D2A-related disorders. This variant is predicted to lead to an abnormal or absent protein product due to the creation of a premature termination codon in CC2D2A, a gene where loss-of-function variants are known to be pathogenic. Please note: this variant was assessed in the context of healthy population screening.